The following is an entry in ClinVar:

NM_205768.3(ZBTB18):c.1342dup (p.Thr448fs)

Gene: ZBTB18 (zinc finger and BTB domain containing 18; plus strand). Cytogenetic location: 1q44.
Variant type: Duplication.
Coding change: c.1342dup on transcript NM_205768.3 (MANE Select); coding-DNA position 1342, one base duplicated (A; older notation c.1342dupA).
Protein change: p.Thr448fs; shifts the reading frame from threonine 448.
Molecular consequence: frameshift variant.
Genome position (GRCh38, 1-based): chr1:244,055,116, A duplicated. VCF-style (leftmost placement, unchanged base first): chr1-244055115-C-CA. GRCh37 (hg19) VCF-style: chr1-244218417-C-CA.
Other names: c.1315dup, p.Thr439fs (NM_001278196.2); c.1315dup, p.Thr439Asnfs (NM_006352.5); c.1342dupA (NM_205768.2); short protein forms T439fs, T448fs.
Identifiers: ClinVar variation 504179 (VCV000504179.2), dbSNP rs1553270611, ClinGen allele CA658795668.
Genomic context (GRCh38, chr1:244,055,115, plus strand): 5'-TTTCTCTTGCATGTACACCCTCAAGCGCCACGAGAGGACTCACTCGGGGGAGAAGCCCTA[C>CA]ACATGCACCCAGTGCGGCAAGAGCTTCCAGTACTCGCACAACCTGAGCCGCCATGCCGTG-3'

ClinVar aggregate classification (germline): Pathogenic (1 of 4 stars; one submission).

Submission:

GeneDx
Classification: Pathogenic. Last evaluated: 2018-02-06. Review status: criteria provided, single submitter. Criteria: GeneDx Variant Classification (06012015). Collection method: clinical testing. Allele origin: germline. Affected: yes.
Comment: The c.1342dupA variant in the ZBTB18 gene has not been reported previously as a pathogenic variant nor as a benign variant, to our knowledge. The c.1342dupA variant causes a frameshift starting with codon Threonine 448, changes this amino acid to an Asparagine residue, and creates a premature Stop codon at position 53 of the new reading frame, denoted p.Thr448AsnfsX53. This variant is predicted to cause loss of normal protein function through protein truncation as the last 84 amino acids of the protein are lost and replaced with 52 incorrect amino acids. The c.1342dupA variant is not observed in large population cohorts (Lek et al., 2016).